The following is an entry in ClinVar:

NM_002878.4(RAD51D):c.668-10C>T

Genes: RAD51L3-RFFL (RAD51L3-RFFL readthrough; minus strand), RAD51D (RAD51 paralog D; minus strand). Cytogenetic location: 17q12.
Variant type: single nucleotide variant.
Coding change: c.668-10C>T on transcript NM_002878.4 (MANE Select); 10 bases into the intron before coding-DNA position 668, C replaced by T.
Molecular consequence: intron variant.
Genome position (GRCh38, 1-based): chr17:35,103,334, G>A on the plus strand (C>T on the coding strand, the complement: RAD51D is on the minus strand). VCF-style: chr17-35103334-G-A. GRCh37 (hg19) VCF-style: chr17-33430353-G-A.
Other names: c.332-10C>T (NM_133629.3); c.728-10C>T (NM_001142571.2).
Identifiers: ClinVar variation 760500 (VCV000760500.10), dbSNP rs1597858472, ClinGen allele CA915949978.
Genomic context (GRCh38, chr17:35,103,334, plus strand): 5'-CCCGGGCCAGGGTCTTCAGCTCTCGGGCCAGCTGCATCATCAAGGCCAAGCCTGCAGGAG[G>A]AGGAGAAGCAGAGAGGGAGGGCAGTGGGGAACCAGGGATGGGGCTGGCCAGAGACCAGAC-3'

ClinVar aggregate classification (germline): Likely benign. Review status: criteria provided, multiple submitters, no conflicts (2 of 4 stars). 3 submissions from 3 submitters: Likely benign (3). Last evaluated 2025-08-17.

Conditions:
Breast-ovarian cancer, familial, susceptibility to, 4. Identifiers: Orphanet 145, MedGen C3280345, MONDO:0013669, OMIM 614291.
Hereditary cancer-predisposing syndrome. Also called: Tumor predisposition; Neoplastic Syndromes, Hereditary; Hereditary Cancer Syndrome; Hereditary neoplastic syndrome. Identifiers: Orphanet 140162, MedGen C0027672, MeSH D009386, MONDO:0015356.

gnomAD v4.1: 1 of 1,612,734 alleles (0.000062%); highest among the groups gnomAD compares: Non-Finnish European, 0.000085%; no homozygotes.

Submissions (3):

Labcorp Genetics (formerly Invitae), Labcorp
Classification: Likely benign for Breast-ovarian cancer, familial, susceptibility to, 4. Last evaluated: 2025-08-17. Review status: criteria provided, single submitter. Criteria: Invitae Variant Classification Sherloc (09022015). Collection method: clinical testing. Allele origin: germline.

Myriad Genetics, Inc.
Classification: Likely benign for Breast-ovarian cancer, familial, susceptibility to, 4. Last evaluated: 2025-02-24. Review status: criteria provided, single submitter. Criteria: Myriad Autosomal Dominant, Autosomal Recessive and X-Linked Classification Criteria (2023). Collection method: clinical testing. Allele origin: unknown.
Comment: This variant is considered likely benign. This variant is intronic and is not expected to impact mRNA splicing.

Color Diagnostics, LLC DBA Color Health
Classification: Likely benign for Hereditary cancer-predisposing syndrome. Last evaluated: 2020-02-09. Review status: criteria provided, single submitter. Criteria: ACMG Guidelines, 2015. Collection method: clinical testing. Allele origin: germline.